The following is an entry in ClinVar:

ClinVar aggregate classification (germline): Uncertain significance/VUS-mid. Review status: criteria provided, multiple submitters, no conflicts (2 of 4 stars). 2 submissions from 2 submitters: Uncertain significance (1); VUS-mid (1). Last evaluated 2026-04-02.

Conditions:
BAP1-related tumor predisposition syndrome (TPDS1). Also called: TUMOR PREDISPOSITION SYNDROME 1; BAP1 tumor predisposition syndrome; COMMON Syndrome; Tumor susceptibility linked to germline BAP1 mutations. Identifiers: Orphanet 289539, MedGen C3280492, MONDO:0013692, OMIM 614327.

Submissions (2):

Centre for Medical Genetics,  Mumbai
Classification: VUS-mid for BAP1-related tumor predisposition syndrome. Last evaluated: 2026-04-02. Review status: criteria provided, single submitter. Criteria: ACMG Guidelines, 2015. Collection method: provider interpretation. Allele origin: germline. Inheritance: Autosomal dominant inheritance. Observed: 1 variant allele, 1 heterozygote.
Comment: The variant satisfies PM2 criteria; Extremely low frequency in gnomAD population databases. But, due to lack of sufficient clinical evidence, the variant should be classified as a variant of uncertain significance.

Labcorp Genetics (formerly Invitae), Labcorp
Classification: Uncertain significance for BAP1-related tumor predisposition syndrome. Last evaluated: 2025-05-19. Review status: criteria provided, single submitter. Criteria: Invitae Variant Classification Sherloc (09022015). Collection method: clinical testing. Allele origin: germline.
Comment: This sequence change replaces serine, which is neutral and polar, with asparagine, which is neutral and polar, at codon 558 of the BAP1 protein (p.Ser558Asn). This variant is not present in population databases (gnomAD no frequency). This variant has not been reported in the literature in individuals affected with BAP1-related conditions. ClinVar contains an entry for this variant (Variation ID: 1054119). Invitae Evidence Modeling of protein sequence and biophysical properties (such as structural, functional, and spatial information, amino acid conservation, physicochemical variation, residue mobility, and thermodynamic stability) indicates that this missense variant is not expected to disrupt BAP1 protein function with a negative predictive value of 80%. In summary, the available evidence is currently insufficient to determine the role of this variant in disease. Therefore, it has been classified as a Variant of Uncertain Significance.

Literature cited by the submitters: PubMed 21874003 (cited by Centre for Medical Genetics,  Mumbai).

NM_004656.4(BAP1):c.1673G>A (p.Ser558Asn)

Gene: BAP1 (BRCA1 associated deubiquitinase 1; minus strand). Cytogenetic location: 3p21.1.
Variant type: single nucleotide variant.
Coding change: c.1673G>A on transcript NM_004656.4 (MANE Select); coding-DNA position 1673, G replaced by A.
Protein change: p.Ser558Asn; replaces serine 558 with asparagine.
Molecular consequence: missense variant.
Genome position (GRCh38, 1-based): chr3:52,403,472, C>T on the plus strand (G>A on the coding strand, the complement: BAP1 is on the minus strand). VCF-style: chr3-52403472-C-T. GRCh37 (hg19) VCF-style: chr3-52437488-C-T.
Other names: short protein forms S558N.
Identifiers: ClinVar variation 1054119 (VCV001054119.6), dbSNP rs759973618, ClinGen allele CA353099951.